The following is an entry in ClinVar:

NM_025215.6(PUS1):c.75-1G>T

Genes: PUS1 (pseudouridine synthase 1; plus strand), LOC130009240 (ATAC-STARR-seq lymphoblastoid silent region 5107; plus strand). Cytogenetic location: 12q24.33.
Variant type: single nucleotide variant.
Coding change: c.75-1G>T on transcript NM_025215.6 (MANE Select); the canonical splice acceptor site of the intron before coding-DNA position 75, G replaced by T.
Molecular consequence: splice acceptor variant.
Genome position (GRCh38, 1-based): chr12:131,929,906, G>T. VCF-style: chr12-131929906-G-T. GRCh37 (hg19) VCF-style: chr12-132414451-G-T.
Other names: c.-10-1G>T (NM_001002019.3, NM_001002020.3).
Identifiers: ClinVar variation 1067098 (VCV001067098.9), dbSNP rs2136428856, ClinGen allele CA387297075.

ClinVar aggregate classification (germline): Likely pathogenic (1 of 4 stars; one submission).

Allele frequency attached by ClinVar (database versions not stated): gnomAD exomes below 0.00001.

Submission:

Labcorp Genetics (formerly Invitae), Labcorp
Classification: Likely pathogenic. Last evaluated: 2020-01-18. Review status: criteria provided, single submitter. Criteria: Invitae Variant Classification Sherloc (09022015). Collection method: clinical testing. Allele origin: germline.
Comment: In summary, the currently available evidence indicates that the variant is pathogenic, but additional data are needed to prove that conclusively. Therefore, this variant has been classified as Likely Pathogenic. Donor and acceptor splice site variants typically lead to a loss of protein function (PMID: 16199547), and loss-of-function variants in PUS1 are known to be pathogenic (PMID: 17056637, 19731322, 25058219, 26556812). This sequence change affects an acceptor splice site in intron 1 of the PUS1 gene. It is expected to disrupt RNA splicing and likely results in an absent or disrupted protein product. The frequency data for this variant in the population databases is considered unreliable, as metrics indicate insufficient coverage at this position in the ExAC database. This variant has not been reported in the literature in individuals with PUS1-related conditions. Algorithms developed to predict the effect of sequence changes on RNA splicing suggest that this variant may disrupt the consensus splice site, but this prediction has not been confirmed by published transcriptional studies.

Literature cited by the submitters: PubMed 16199547; PubMed 17056637; PubMed 19731322; PubMed 25058219; PubMed 26556812.